The following is an entry in ClinVar:

ClinVar aggregate classification (germline): Uncertain significance (1 of 4 stars; one submission).

Allele frequency attached by ClinVar (database versions not stated): gnomAD exomes below 0.00001; TOPMed 0.00001.
gnomAD v4.1: 2 of 1,579,670 alleles (0.00013%); highest among the groups gnomAD compares: Admixed American, 0.0018%; no homozygotes.

Submission:

Labcorp Genetics (formerly Invitae), Labcorp
Classification: Uncertain significance. Last evaluated: 2021-03-31. Review status: criteria provided, single submitter. Criteria: Invitae Variant Classification Sherloc (09022015). Collection method: clinical testing. Allele origin: germline.
Comment: In summary, the available evidence is currently insufficient to determine the role of this variant in disease. Therefore, it has been classified as a Variant of Uncertain Significance. Algorithms developed to predict the effect of missense changes on protein structure and function are either unavailable or do not agree on the potential impact of this missense change (SIFT: "Tolerated"; PolyPhen-2: "Probably Damaging"; Align-GVGD: "Class C0"). This variant has not been reported in the literature in individuals with CEP78-related conditions. This variant is not present in population databases (ExAC no frequency). This sequence change replaces proline with alanine at codon 326 of the CEP78 protein (p.Pro326Ala). The proline residue is moderately conserved and there is a small physicochemical difference between proline and alanine.

NM_001330691.3(CEP78):c.976C>G (p.Pro326Ala)

Gene: CEP78 (centrosomal protein 78; plus strand). Cytogenetic location: 9q21.2.
Variant type: single nucleotide variant.
Coding change: c.976C>G on transcript NM_001330691.3 (MANE Select); coding-DNA position 976, C replaced by G.
Protein change: p.Pro326Ala; replaces proline 326 with alanine.
Molecular consequence: missense variant.
Genome position (GRCh38, 1-based): chr9:78,248,780, C>G. VCF-style: chr9-78248780-C-G. GRCh37 (hg19) VCF-style: chr9-80863696-C-G.
Other names: c.976C>G, p.Pro326Ala (NM_001098802.3, NM_001330693.3, NM_001330694.2 and 4 more transcripts); short protein forms P326A.
Identifiers: ClinVar variation 1494582 (VCV001494582.8), dbSNP rs1826618811, ClinGen allele CA373857664.